The following is an entry in ClinVar:

NM_032043.3(BRIP1):c.2821A>C (p.Ile941Leu)

Gene: BRIP1 (BRCA1 interacting DNA helicase 1; minus strand). Cytogenetic location: 17q23.2.
Variant type: single nucleotide variant.
Coding change: c.2821A>C on transcript NM_032043.3 (MANE Select); coding-DNA position 2821, A replaced by C.
Protein change: p.Ile941Leu; replaces isoleucine 941 with leucine.
Molecular consequence: missense variant.
Genome position (GRCh38, 1-based): chr17:61,685,920, T>G on the plus strand (A>C on the coding strand, the complement: BRIP1 is on the minus strand). VCF-style: chr17-61685920-T-G. GRCh37 (hg19) VCF-style: chr17-59763281-T-G.
Other names: short protein forms I941L.
Identifiers: ClinVar variation 1796450 (VCV001796450.8), dbSNP rs2144110175, ClinGen allele CA400481456.

ClinVar aggregate classification (germline): Uncertain significance. Review status: criteria provided, multiple submitters, no conflicts (2 of 4 stars). 2 submissions from 2 submitters: Uncertain significance (2). Last evaluated 2025-09-22.

Conditions:
Familial cancer of breast. Also called: BREAST CANCER, FAMILIAL; hereditary breast carcinoma; Hereditary breast cancer. Identifiers: Orphanet 227535, MedGen C0346153, MONDO:0016419, OMIM 114480. Disease mechanism: loss of function.
Fanconi anemia complementation group J. Also called: BRIP1-Related Fanconi Anemia. Identifiers: Orphanet 84, MedGen C1836860, MONDO:0012187, OMIM 609054.
Hereditary cancer-predisposing syndrome. Also called: Neoplastic Syndromes, Hereditary; Tumor predisposition; Hereditary neoplastic syndrome; Hereditary Cancer Syndrome. Identifiers: Orphanet 140162, MedGen C0027672, MeSH D009386, MONDO:0015356.

Submissions (2):

Labcorp Genetics (formerly Invitae), Labcorp
Classification: Uncertain significance for Familial cancer of breast; Fanconi anemia complementation group J. Last evaluated: 2025-09-22. Review status: criteria provided, single submitter. Criteria: Invitae Variant Classification Sherloc (09022015). Collection method: clinical testing. Allele origin: germline.
Comment: This sequence change replaces isoleucine, which is neutral and non-polar, with leucine, which is neutral and non-polar, at codon 941 of the BRIP1 protein (p.Ile941Leu). This variant is not present in population databases (gnomAD no frequency). This variant has not been reported in the literature in individuals affected with BRIP1-related conditions. ClinVar contains an entry for this variant (Variation ID: 1796450). Invitae Evidence Modeling of protein sequence and biophysical properties (such as structural, functional, and spatial information, amino acid conservation, physicochemical variation, residue mobility, and thermodynamic stability) indicates that this missense variant is not expected to disrupt BRIP1 protein function with a negative predictive value of 95%. In summary, the available evidence is currently insufficient to determine the role of this variant in disease. Therefore, it has been classified as a Variant of Uncertain Significance.

Ambry Genetics
Classification: Uncertain significance for Hereditary cancer-predisposing syndrome. Last evaluated: 2025-06-12. Review status: criteria provided, single submitter. Criteria: Ambry Variant Classification Scheme 2023. Collection method: clinical testing. Allele origin: germline.
Comment: The p.I941L variant (also known as c.2821A>C), located in coding exon 18 of the BRIP1 gene, results from an A to C substitution at nucleotide position 2821. The isoleucine at codon 941 is replaced by leucine, an amino acid with highly similar properties. This amino acid position is conserved. In addition, this alteration is predicted to be tolerated by in silico analysis. Since supporting evidence is limited at this time, the clinical significance of this alteration remains unclear.